The following is an entry in ClinVar:

NM_032153.6(ZIC4):c.136C>A (p.Leu46Ile)

Gene: ZIC4 (Zic family zinc finger 4; minus strand). Cytogenetic location: 3q24.
Variant type: single nucleotide variant.
Coding change: c.136C>A on transcript NM_032153.6 (MANE Select); coding-DNA position 136, C replaced by A.
Protein change: p.Leu46Ile; replaces leucine 46 with isoleucine.
Molecular consequence: missense variant. On other transcripts: intron variant (1).
Genome position (GRCh38, 1-based): chr3:147,396,404, G>T on the plus strand (C>A on the coding strand, the complement: ZIC4 is on the minus strand). VCF-style: chr3-147396404-G-T. GRCh37 (hg19) VCF-style: chr3-147114191-G-T.
Other names: c.286C>A, p.Leu96Ile (NM_001168378.1); c.250C>A, p.Leu84Ile (NM_001168379.2); c.71-5158C>A (NM_001243256.2); short protein forms L46I, L84I, L96I.
Identifiers: ClinVar variation 3334708 (VCV003334708.2).

ClinVar aggregate classification (germline): Uncertain significance. Review status: criteria provided, multiple submitters, no conflicts (2 of 4 stars). 2 submissions from 2 submitters: Uncertain significance (2). Last evaluated 2025-04-03.

gnomAD v4.1: 5 of 1,525,562 alleles (0.00033%); highest among the groups gnomAD compares: Admixed American, 0.0067%; no homozygotes.

Submissions (2):

Labcorp Genetics (formerly Invitae), Labcorp
Classification: Uncertain significance. Last evaluated: 2025-04-03. Review status: criteria provided, single submitter. Criteria: Invitae Variant Classification Sherloc (09022015). Collection method: clinical testing. Allele origin: germline.
Comment: This sequence change replaces leucine, which is neutral and non-polar, with isoleucine, which is neutral and non-polar, at codon 96 of the ZIC4 protein (p.Leu96Ile). This variant is present in population databases (rs746666942, gnomAD no frequency). This variant has not been reported in the literature in individuals affected with ZIC4-related conditions. ClinVar contains an entry for this variant (Variation ID: 3334708). An algorithm developed to predict the effect of missense changes on protein structure and function (PolyPhen-2) suggests that this variant is likely to be tolerated. In summary, the available evidence is currently insufficient to determine the role of this variant in disease. Therefore, it has been classified as a Variant of Uncertain Significance.

Ambry Genetics
Classification: Uncertain significance. Last evaluated: 2024-03-15. Review status: criteria provided, single submitter. Criteria: Ambry Variant Classification Scheme 2023. Collection method: clinical testing. Allele origin: germline.